The following is an entry in ClinVar:

ClinVar aggregate classification (germline): Uncertain significance. Review status: criteria provided, multiple submitters, no conflicts (2 of 4 stars). 3 submissions from 3 submitters: Uncertain significance (3). Last evaluated 2026-07-15.

Conditions:
Charcot-Marie-Tooth disease type 4. Also called: Charcot-Marie-Tooth, Type 4; Charcot-Marie-Tooth disease, type IV. Identifiers: Orphanet 64749, MedGen C4082197, MONDO:0018995.
Inborn genetic diseases. Identifiers: MedGen C0950123, MeSH D030342.
FGD4-related disorder. Also called: FGD4-related condition.

Allele frequency attached by ClinVar (database versions not stated): gnomAD exomes 0.00001 and 0.00002; ExAC 0.00002; gnomAD 0.00003; TOPMed 0.00004.
gnomAD v4.1: 23 of 1,614,032 alleles (0.0014%); highest among the groups gnomAD compares: African/African-American, 0.0067%; no homozygotes.

Submissions (3):

PreventionGenetics, part of Exact Sciences
Classification: Uncertain significance for FGD4-related condition. Last evaluated: 2026-07-15. Review status: criteria provided, single submitter. Criteria: ACMG Guidelines, 2015. Collection method: clinical testing. Allele origin: germline.
Comment: The FGD4 c.2233G>C variant is predicted to result in the amino acid substitution p.Gly745Arg. To our knowledge, this variant has not been reported in the literature. This variant is reported in 0.0065% of alleles in individuals of South Asian descent in gnomAD. At this time, the clinical significance of this variant is uncertain due to the absence of conclusive functional and genetic evidence.

Labcorp Genetics (formerly Invitae), Labcorp
Classification: Uncertain significance for Charcot-Marie-Tooth disease type 4. Last evaluated: 2025-12-08. Review status: criteria provided, single submitter. Criteria: Invitae Variant Classification Sherloc (09022015). Collection method: clinical testing. Allele origin: germline.
Comment: This sequence change replaces glycine, which is neutral and non-polar, with arginine, which is basic and polar, at codon 745 of the FGD4 protein (p.Gly745Arg). This variant is present in population databases (rs775920519, gnomAD 0.007%). This variant has not been reported in the literature in individuals affected with FGD4-related conditions. ClinVar contains an entry for this variant (Variation ID: 1496478). Invitae Evidence Modeling of protein sequence and biophysical properties (such as structural, functional, and spatial information, amino acid conservation, physicochemical variation, residue mobility, and thermodynamic stability) indicates that this missense variant is not expected to disrupt FGD4 protein function with a negative predictive value of 80%. In summary, the available evidence is currently insufficient to determine the role of this variant in disease. Therefore, it has been classified as a Variant of Uncertain Significance.

Ambry Genetics
Classification: Uncertain significance for Inborn genetic diseases. Last evaluated: 2022-02-09. Review status: criteria provided, single submitter. Criteria: Ambry Variant Classification Scheme 2023. Collection method: clinical testing. Allele origin: germline.
Comment: The p.G745R variant (also known as c.2233G>C), located in coding exon 15 of the FGD4 gene, results from a G to C substitution at nucleotide position 2233. The glycine at codon 745 is replaced by arginine, an amino acid with dissimilar properties. This amino acid position is conserved. In addition, this alteration is predicted to be tolerated by in silico analysis. Since supporting evidence is limited at this time, the clinical significance of this alteration remains unclear.

NM_001370298.3(FGD4):c.2644G>C (p.Gly882Arg)

Gene: FGD4 (FYVE, RhoGEF and PH domain containing 4; plus strand). Cytogenetic location: 12p11.21.
Variant type: single nucleotide variant.
Coding change: c.2644G>C on transcript NM_001370298.3 (MANE Select); coding-DNA position 2644, G replaced by C.
Protein change: p.Gly882Arg; replaces glycine 882 with arginine.
Molecular consequence: missense variant. On other transcripts: intron variant (3).
Genome position (GRCh38, 1-based): chr12:32,640,465, G>C. VCF-style: chr12-32640465-G-C. GRCh37 (hg19) VCF-style: chr12-32793399-G-C.
Other names: c.2488G>C, p.Gly830Arg (NM_001304481.2); c.1201G>C, p.Gly401Arg (NM_001304484.2); c.1954G>C, p.Gly652Arg (NM_001330373.2, NM_001330374.2, NM_001384130.1); c.1681G>C, p.Gly561Arg (NM_001370297.1); c.2233G>C, p.Gly745Arg (NM_001385118.1, NM_139241.3); c.2632+12G>C (NM_001384126.1); c.2221+12G>C (NM_001384127.1, NM_001384128.1); short protein forms G652R, G745R, G830R, G401R, G561R, G882R.
Identifiers: ClinVar variation 1496478 (VCV001496478.8), dbSNP rs775920519, ClinGen allele CA6507135.